The following is an entry in ClinVar:

NM_006662.3(SRCAP):c.1406A>C (p.Glu469Ala)

Gene: SRCAP (Snf2 related CREBBP activator protein; plus strand). Cytogenetic location: 16p11.2.
Variant type: single nucleotide variant.
Coding change: c.1406A>C on transcript NM_006662.3 (MANE Select); coding-DNA position 1406, A replaced by C.
Protein change: p.Glu469Ala; replaces glutamic acid 469 with alanine.
Molecular consequence: missense variant.
Genome position (GRCh38, 1-based): chr16:30,711,658, A>C. VCF-style: chr16-30711658-A-C. GRCh37 (hg19) VCF-style: chr16-30722979-A-C.
Other names: short protein forms E469A.
Identifiers: ClinVar variation 2793868 (VCV002793868.3), dbSNP rs1036200688, ClinGen allele CA395603706.

ClinVar aggregate classification (germline): Uncertain significance (1 of 4 stars; one submission).

Submission:

Labcorp Genetics (formerly Invitae), Labcorp
Classification: Uncertain significance. Last evaluated: 2023-02-09. Review status: criteria provided, single submitter. Criteria: Invitae Variant Classification Sherloc (09022015). Collection method: clinical testing. Allele origin: germline.
Comment: In summary, the available evidence is currently insufficient to determine the role of this variant in disease. Therefore, it has been classified as a Variant of Uncertain Significance. Advanced modeling of protein sequence and biophysical properties (such as structural, functional, and spatial information, amino acid conservation, physicochemical variation, residue mobility, and thermodynamic stability) performed at Invitae indicates that this missense variant is not expected to disrupt SRCAP protein function. This variant has not been reported in the literature in individuals affected with SRCAP-related conditions. This variant is not present in population databases (gnomAD no frequency). This sequence change replaces glutamic acid, which is acidic and polar, with alanine, which is neutral and non-polar, at codon 469 of the SRCAP protein (p.Glu469Ala).